The following is an entry in ClinVar:

ClinVar aggregate classification (germline): Uncertain significance (1 of 4 stars; one submission).

Submission:

Labcorp Genetics (formerly Invitae), Labcorp
Classification: Uncertain significance. Last evaluated: 2022-12-20. Review status: criteria provided, single submitter. Criteria: Invitae Variant Classification Sherloc (09022015). Collection method: clinical testing. Allele origin: germline.
Comment: This sequence change replaces aspartic acid, which is acidic and polar, with glutamic acid, which is acidic and polar, at codon 668 of the SNRNP200 protein (p.Asp668Glu). This variant is not present in population databases (gnomAD no frequency). This variant has not been reported in the literature in individuals affected with SNRNP200-related conditions. Advanced modeling of protein sequence and biophysical properties (such as structural, functional, and spatial information, amino acid conservation, physicochemical variation, residue mobility, and thermodynamic stability) performed at Invitae indicates that this missense variant is not expected to disrupt SNRNP200 protein function. In summary, the available evidence is currently insufficient to determine the role of this variant in disease. Therefore, it has been classified as a Variant of Uncertain Significance.

NM_014014.5(SNRNP200):c.2004C>G (p.Asp668Glu)

Gene: SNRNP200 (small nuclear ribonucleoprotein U5 subunit 200; minus strand). Cytogenetic location: 2q11.2.
Variant type: single nucleotide variant.
Coding change: c.2004C>G on transcript NM_014014.5 (MANE Select); coding-DNA position 2004, C replaced by G.
Protein change: p.Asp668Glu; replaces aspartic acid 668 with glutamic acid.
Molecular consequence: missense variant.
Genome position (GRCh38, 1-based): chr2:96,293,348, G>C on the plus strand (C>G on the coding strand, the complement: SNRNP200 is on the minus strand). VCF-style: chr2-96293348-G-C. GRCh37 (hg19) VCF-style: chr2-96959086-G-C.
Other names: short protein forms D668E.
Identifiers: ClinVar variation 2781581 (VCV002781581.3), dbSNP rs931782390, ClinGen allele CA347679836.